The following is an entry in ClinVar:

NM_002098.6(GUCA1B):c.190G>A (p.Ala64Thr)

Gene: GUCA1B (guanylate cyclase activator 1B; minus strand). Cytogenetic location: 6p21.1.
Variant type: single nucleotide variant.
Coding change: c.190G>A on transcript NM_002098.6 (MANE Select); coding-DNA position 190, G replaced by A.
Protein change: p.Ala64Thr; replaces alanine 64 with threonine.
Molecular consequence: missense variant.
Genome position (GRCh38, 1-based): chr6:42,194,631, C>T on the plus strand (G>A on the coding strand, the complement: GUCA1B is on the minus strand). VCF-style: chr6-42194631-C-T. GRCh37 (hg19) VCF-style: chr6-42162369-C-T.
Other names: short protein forms A64T.
Identifiers: ClinVar variation 854589 (VCV000854589.7), dbSNP rs145332570, ClinGen allele CA3805628.

ClinVar aggregate classification (germline): Uncertain significance (1 of 4 stars; one submission).

Allele frequency attached by ClinVar (database versions not stated): ExAC 0.00007; gnomAD exomes 0.00008 and 0.00018; gnomAD 0.00014 and 0.00016; TOPMed 0.00015; ESP Exome Variant Server 0.00031.
gnomAD v4.1: 299 of 1,612,190 alleles (0.019%); highest among the groups gnomAD compares: Non-Finnish European, 0.023%; no homozygotes.

Submission:

Labcorp Genetics (formerly Invitae), Labcorp
Classification: Uncertain significance. Last evaluated: 2025-09-10. Review status: criteria provided, single submitter. Criteria: Invitae Variant Classification Sherloc (09022015). Collection method: clinical testing. Allele origin: germline.
Comment: This sequence change replaces alanine, which is neutral and non-polar, with threonine, which is neutral and polar, at codon 64 of the GUCA1B protein (p.Ala64Thr). This variant is present in population databases (rs145332570, gnomAD 0.02%). This variant has not been reported in the literature in individuals affected with GUCA1B-related conditions. ClinVar contains an entry for this variant (Variation ID: 854589). An algorithm developed to predict the effect of missense changes on protein structure and function outputs the following: PolyPhen-2: "Probably Damaging". The threonine amino acid residue is found in multiple mammalian species, which suggests that this missense change does not adversely affect protein function. In summary, the available evidence is currently insufficient to determine the role of this variant in disease. Therefore, it has been classified as a Variant of Uncertain Significance.